The following is an entry in ClinVar:

NM_139076.3(ABRAXAS1):c.820C>T (p.Pro274Ser)

Gene: ABRAXAS1 (abraxas 1, BRCA1 A complex subunit; minus strand). Cytogenetic location: 4q21.23.
Variant type: single nucleotide variant.
Coding change: c.820C>T on transcript NM_139076.3 (MANE Select); coding-DNA position 820, C replaced by T.
Protein change: p.Pro274Ser; replaces proline 274 with serine.
Molecular consequence: missense variant.
Genome position (GRCh38, 1-based): chr4:83,462,879, G>A on the plus strand (C>T on the coding strand, the complement: ABRAXAS1 is on the minus strand). VCF-style: chr4-83462879-G-A. GRCh37 (hg19) VCF-style: chr4-84384032-G-A.
Other names: c.493C>T, p.Pro165Ser (NM_001345962.2); short protein forms P274S, P165S.
Identifiers: ClinVar variation 411321 (VCV000411321.14), dbSNP rs1060503252, ClinGen allele CA16611582.

ClinVar aggregate classification (germline): Uncertain significance. Review status: criteria provided, multiple submitters, no conflicts (2 of 4 stars). 3 submissions from 3 submitters: Uncertain significance (3). Last evaluated 2025-09-05.

Allele frequency attached by ClinVar (database versions not stated): TOPMed 0.00002.
gnomAD v4.1: 25 of 1,584,170 alleles (0.0016%); highest among the groups gnomAD compares: Non-Finnish European, 0.0021%; no homozygotes.

Submissions (3):

Ambry Genetics
Classification: Uncertain significance. Last evaluated: 2025-09-05. Review status: criteria provided, single submitter. Criteria: Ambry Variant Classification Scheme 2023. Collection method: clinical testing. Allele origin: germline.

Labcorp Genetics (formerly Invitae), Labcorp
Classification: Uncertain significance. Last evaluated: 2025-07-30. Review status: criteria provided, single submitter. Criteria: Invitae Variant Classification Sherloc (09022015). Collection method: clinical testing. Allele origin: germline.
Comment: This sequence change replaces proline, which is neutral and non-polar, with serine, which is neutral and polar, at codon 274 of the FAM175A protein (p.Pro274Ser). This variant is present in population databases (no rsID available, gnomAD 0.002%). This variant has not been reported in the literature in individuals affected with FAM175A-related conditions. ClinVar contains an entry for this variant (Variation ID: 411321). Invitae Evidence Modeling of protein sequence and biophysical properties (such as structural, functional, and spatial information, amino acid conservation, physicochemical variation, residue mobility, and thermodynamic stability) indicates that this missense variant is not expected to disrupt FAM175A protein function with a negative predictive value of 80%. In summary, the available evidence is currently insufficient to determine the role of this variant in disease. Therefore, it has been classified as a Variant of Uncertain Significance.

Women's Health and Genetics/Laboratory Corporation of America, LabCorp
Classification: Uncertain significance. Last evaluated: 2021-03-01. Review status: criteria provided, single submitter. Criteria: LabCorp Variant Classification Summary - May 2015. Collection method: clinical testing. Allele origin: germline.
Comment: Variant summary: FAM175A c.820C>T (p.Pro274Ser) results in a non-conservative amino acid change in the encoded protein sequence. Three of five in-silico tools predict a benign effect of the variant on protein function. The variant allele was found at a frequency of 1.4e-05 in 218088 control chromosomes (gnomAD). The available data on variant occurrences in the general population are insufficient to allow any conclusion about variant significance. To our knowledge, no occurrence of c.820C>T in individuals affected with Hereditary Breast And Ovarian Cancer Syndrome and no experimental evidence demonstrating its impact on protein function have been reported. One ClinVar submitter (evaluation after 2014) cites the variant as uncertain significance. Based on the evidence outlined above, the variant was classified as uncertain significance.